The following is an entry in ClinVar:

ClinVar aggregate classification (germline): Uncertain significance (1 of 4 stars; one submission).

gnomAD v4.1: 4 of 1,613,296 alleles (0.00025%); highest among the groups gnomAD compares: East Asian, 0.0089%; no homozygotes.

Submission:

Labcorp Genetics (formerly Invitae), Labcorp
Classification: Uncertain significance. Last evaluated: 2025-12-24. Review status: criteria provided, single submitter. Criteria: Invitae Variant Classification Sherloc (09022015). Collection method: clinical testing. Allele origin: germline.
Comment: This sequence change replaces phenylalanine, which is neutral and non-polar, with serine, which is neutral and polar, at codon 73 of the IL12RB2 protein (p.Phe73Ser). This variant is not present in population databases (gnomAD no frequency). This variant has not been reported in the literature in individuals affected with IL12RB2-related conditions. An algorithm developed to predict the effect of missense changes on protein structure and function outputs the following: PolyPhen-2: "Benign". The serine amino acid residue is found in multiple mammalian species, which suggests that this missense change does not adversely affect protein function. In summary, the available evidence is currently insufficient to determine the role of this variant in disease. Therefore, it has been classified as a Variant of Uncertain Significance.

NM_001374259.2(IL12RB2):c.218T>C (p.Phe73Ser)

Gene: IL12RB2 (interleukin 12 receptor subunit beta 2; plus strand). Cytogenetic location: 1p31.3.
Variant type: single nucleotide variant.
Coding change: c.218T>C on transcript NM_001374259.2 (MANE Select); coding-DNA position 218, T replaced by C.
Protein change: p.Phe73Ser; replaces phenylalanine 73 with serine.
Molecular consequence: missense variant. On other transcripts: non-coding transcript variant (2).
Genome position (GRCh38, 1-based): chr1:67,321,743, T>C. VCF-style: chr1-67321743-T-C. GRCh37 (hg19) VCF-style: chr1-67787426-T-C.
Other names: c.218T>C, p.Phe73Ser (NM_001258214.1, NM_001258215.1, NM_001258216.1 and 2 more transcripts); short protein forms F73S.
Identifiers: ClinVar variation 4770699 (VCV004770699.1).